The following is an entry in ClinVar:

NM_000660.7(TGFB1):c.897C>G (p.Tyr299Ter)

Gene: TGFB1 (transforming growth factor beta 1; minus strand). Cytogenetic location: 19q13.2.
Variant type: single nucleotide variant.
Coding change: c.897C>G on transcript NM_000660.7 (MANE Select); coding-DNA position 897, C replaced by G.
Protein change: p.Tyr299Ter; replaces tyrosine 299 with a stop codon.
Molecular consequence: nonsense.
Genome position (GRCh38, 1-based): chr19:41,332,245, G>C on the plus strand (C>G on the coding strand, the complement: TGFB1 is on the minus strand). VCF-style: chr19-41332245-G-C. GRCh37 (hg19) VCF-style: chr19-41838150-G-C.
Other names: short protein forms Y299*.
Identifiers: ClinVar variation 383807 (VCV000383807.2), dbSNP rs1057521741, ClinGen allele CA16607838.

ClinVar aggregate classification (germline): Likely pathogenic (1 of 4 stars; one submission).

Submission:

GeneDx
Classification: Likely pathogenic. Last evaluated: 2016-02-09. Review status: criteria provided, single submitter. Criteria: GeneDx Variant Classification (06012015). Collection method: clinical testing. Allele origin: germline. Affected: yes.
Comment: The Y299X pathogenic variant in the TGFB1 gene has not been reported previously as a pathogenic variant nor as a benign variant, to our knowledge. This variant is predicted to cause loss of normal protein function either through protein truncation or nonsense-mediated mRNA decay. The Y299X variant was not observed in approximately 6500 individuals of European and African American ancestry in the NHLBI Exome Sequencing Project, indicating it is not a common benign variant in these populations. Therefore, we interpret Y299X as a strong candidate for a pathogenic variant.